The following is an entry in ClinVar:

ClinVar aggregate classification (germline): Conflicting classifications of pathogenicity. Review status: criteria provided, conflicting classifications (1 of 4 stars). 4 submissions from 4 submitters: Uncertain significance (3); Likely benign (1). Last evaluated 2025-09-22.

Conditions:
POLD1-related polyposis and colorectal cancer syndrome (CRCS10). Also called: Colorectal cancer, susceptibility to, 10; Colorectal cancer 10; COLORECTAL CANCER, SUSCEPTIBILITY TO, ON CHROMOSOME 19q. Identifiers: Orphanet 220460, MedGen C2675481, MONDO:0012953, OMIM 612591.
Hereditary cancer-predisposing syndrome. Also called: Neoplastic Syndromes, Hereditary; Hereditary neoplastic syndrome; Hereditary Cancer Syndrome; Tumor predisposition. Identifiers: Orphanet 140162, MedGen C0027672, MeSH D009386, MONDO:0015356.

Submissions (4):

Labcorp Genetics (formerly Invitae), Labcorp
Classification: Uncertain significance for POLD1-related polyposis and colorectal cancer syndrome. Last evaluated: 2025-09-22. Review status: criteria provided, single submitter. Criteria: Invitae Variant Classification Sherloc (09022015). Collection method: clinical testing. Allele origin: germline.
Comment: This sequence change replaces arginine, which is basic and polar, with glycine, which is neutral and non-polar, at codon 855 of the POLD1 protein (p.Arg855Gly). This variant is present in population databases (rs768048535, gnomAD 0.001%). This variant has not been reported in the literature in individuals affected with POLD1-related conditions. ClinVar contains an entry for this variant (Variation ID: 408084). An algorithm developed to predict the effect of missense changes on protein structure and function (PolyPhen-2) suggests that this variant is likely to be disruptive. In summary, the available evidence is currently insufficient to determine the role of this variant in disease. Therefore, it has been classified as a Variant of Uncertain Significance.

Ambry Genetics
Classification: Likely benign for Hereditary cancer-predisposing syndrome. Last evaluated: 2025-02-10. Review status: criteria provided, single submitter. Criteria: Ambry Variant Classification Scheme 2023. Collection method: clinical testing. Allele origin: germline.

St. Jude Molecular Pathology, St. Jude Children's Research Hospital
Classification: Uncertain significance for POLD1-related polyposis and colorectal cancer syndrome. Last evaluated: 2023-11-13. Review status: criteria provided, single submitter. Criteria: St. Jude Assertion Criteria 2020. Collection method: clinical testing. Allele origin: germline.
Comment: The POLD1 c.2563C>G (p.Arg855Gly) missense change has a maximum subpopulation frequency of 0.002% in gnomAD v2.1.1. The in silico tool REVEL predicts a benign effect on protein function, but to our knowledge this prediction has not been confirmed by functional studies. To our knowledge, this variant has not been reported in the literature in individuals with POLD1-related disease. In summary, the evidence currently available is insufficient to determine the clinical significance of this variant. It has therefore been classified as of uncertain significance.

Quest Diagnostics Nichols Institute San Juan Capistrano
Classification: Uncertain significance. Last evaluated: 2019-10-04. Review status: criteria provided, single submitter. Criteria: Quest Diagnostics criteria. Collection method: clinical testing. Allele origin: unknown.

NM_002691.4(POLD1):c.2563C>G (p.Arg855Gly)

Gene: POLD1 (DNA polymerase delta 1, catalytic subunit; plus strand). Cytogenetic location: 19q13.33.
Variant type: single nucleotide variant.
Coding change: c.2563C>G on transcript NM_002691.4 (MANE Select); coding-DNA position 2563, C replaced by G.
Protein change: p.Arg855Gly; replaces arginine 855 with glycine.
Molecular consequence: missense variant. On other transcripts: non-coding transcript variant (1).
Genome position (GRCh38, 1-based): chr19:50,414,989, C>G. VCF-style: chr19-50414989-C-G. GRCh37 (hg19) VCF-style: chr19-50918246-C-G.
Other names: c.2563C>G, p.Arg855Gly (NM_001256849.1); c.2641C>G, p.Arg881Gly (NM_001308632.1); c.2563C>G (NM_002691.2); short protein forms R855G, R881G.
Identifiers: ClinVar variation 408084 (VCV000408084.12), dbSNP rs768048535, ClinGen allele CA9596558.